The following is an entry in ClinVar:

ClinVar aggregate classification (germline): Likely pathogenic (1 of 4 stars; one submission).

Conditions:
Phosphoribosylformylglycineamidine synthase deficiency.

gnomAD v4.1: 647 of 1,614,058 alleles (0.04%); highest among the groups gnomAD compares: Non-Finnish European, 0.052%; no homozygotes.

Submission:

Research Unit for Rare Diseases, 1st Faculty of Medicine, Charles University in Prague
Classification: Likely pathogenic for Phosphoribosylformylglycineamidine synthase deficiency. Last evaluated: 2025-02-05. Review status: criteria provided, single submitter. Criteria: ACMG Guidelines, 2015. Collection method: clinical testing. Allele origin: paternal, not applicable. Inheritance: Autosomal recessive inheritance. Affected: yes. Observed: 1 compound heterozygote. Functional consequence: protein loss of function.
Comment: This missense variant has no reported homozygous allele in both gnomAD v2.1.1 genomes and exomes and has been evaluated as likely pathogenic according to ACMG guidelines (PP1, PS3, PM3, PM2).

Literature cited by the submitters: PubMed 40421664.

NM_012393.3(PFAS):c.2431C>T (p.Arg811Trp)

Gene: PFAS (phosphoribosylformylglycinamidine synthase; plus strand). Cytogenetic location: 17p13.1.
Variant type: single nucleotide variant.
Coding change: c.2431C>T on transcript NM_012393.3 (MANE Select); coding-DNA position 2431, C replaced by T.
Protein change: p.Arg811Trp; replaces arginine 811 with tryptophan.
Molecular consequence: missense variant.
Genome position (GRCh38, 1-based): chr17:8,265,438, C>T. VCF-style: chr17-8265438-C-T. GRCh37 (hg19) VCF-style: chr17-8168756-C-T.
Other names: short protein forms R811W.
Identifiers: ClinVar variation 3767279 (VCV003767279.1).
Genomic context (GRCh38, chr17:8,265,438, plus strand): 5'-GTGATGGCAGCCCTGGGTGTGGCAGTGGATGGTGGCAAGGACTCCCTCAGCATGGCTGCT[C>T]GGGTTGGCACTGAGACCGTGCGGGCTCCTGGTGAGGTGTGGGAGCCCCAGGGAGGGGAGG-3'
Protein context (NP_036525.1, residues 801-821): GGKDSLSMAA[Arg811Trp]VGTETVRAPG